The following is an entry in ClinVar:

NM_020911.2(PLXNA4):c.2734G>A (p.Glu912Lys)

Gene: PLXNA4 (plexin A4; minus strand). Cytogenetic location: 7q32.3.
Variant type: single nucleotide variant.
Coding change: c.2734G>A on transcript NM_020911.2 (MANE Select); coding-DNA position 2734, G replaced by A.
Protein change: p.Glu912Lys; replaces glutamic acid 912 with lysine.
Molecular consequence: missense variant.
Genome position (GRCh38, 1-based): chr7:132,198,489, C>T on the plus strand (G>A on the coding strand, the complement: PLXNA4 is on the minus strand). VCF-style: chr7-132198489-C-T. GRCh37 (hg19) VCF-style: chr7-131883248-C-T.
Other names: c.2734G>A, p.Glu912Lys (NM_001393897.1); short protein forms E912K.
Identifiers: ClinVar variation 5000646 (VCV005000646.1).

ClinVar aggregate classification (germline): Uncertain significance (1 of 4 stars; one submission).

Conditions:
PLXNA4-related disorder. Also called: PLXNA4-related condition.

gnomAD v4.1: 1 of 1,613,972 alleles (0.000062%); no homozygotes.

Submission:

PreventionGenetics, part of Exact Sciences
Classification: Uncertain significance for PLXNA4-related condition. Last evaluated: 2024-10-23. Review status: criteria provided, single submitter. Criteria: ACMG Guidelines, 2015. Collection method: clinical testing. Allele origin: germline.
Comment: The PLXNA4 c.2734G>A variant is predicted to result in the amino acid substitution p.Glu912Lys. To our knowledge, this variant has not been reported in the literature. This variant is reported in 0.0029% of alleles in individuals of Latino descent in gnomAD. At this time, the clinical significance of this variant is uncertain due to the absence of conclusive functional and genetic evidence.